The following is an entry in ClinVar:

ClinVar aggregate classification (germline): Conflicting classifications of pathogenicity. Review status: criteria provided, conflicting classifications (1 of 4 stars). 4 submissions from 4 submitters: Uncertain significance (1); Likely benign (3). Last evaluated 2025-05-08.

Allele frequency attached by ClinVar (database versions not stated): gnomAD exomes 0.00001; TOPMed 0.00001; ExAC 0.00003.
gnomAD v4.1: 10 of 1,603,584 alleles (0.00062%); highest among the groups gnomAD compares: Non-Finnish European, 0.00085%; no homozygotes.

Submissions (4):

Labcorp Genetics (formerly Invitae), Labcorp
Classification: Likely benign. Last evaluated: 2025-05-08. Review status: criteria provided, single submitter. Criteria: Invitae Variant Classification Sherloc (09022015). Collection method: clinical testing. Allele origin: germline.

CeGaT Center for Human Genetics Tuebingen
Classification: Likely benign. Last evaluated: 2024-12-01. Review status: criteria provided, single submitter. Criteria: CeGaT Center For Human Genetics Tuebingen Variant Classification Criteria Version 2. Collection method: clinical testing. Allele origin: germline. Affected: yes. Observed: 1 variant allele.
Comment: CABP4: BP4, BP7

Blueprint Genetics
Classification: Likely benign. Last evaluated: 2018-07-16. Review status: criteria provided, single submitter. Criteria: ACMG Guidelines, 2015. Collection method: clinical testing. Allele origin: germline.

Eurofins Ntd Llc (ga)
Classification: Uncertain significance. Last evaluated: 2015-03-10. Review status: criteria provided, single submitter. Criteria: EGL Classification Definitions 2015. Collection method: clinical testing. Allele origin: germline. Observed: 1 variant allele, 1 heterozygote.

NM_145200.5(CABP4):c.102G>A (p.Glu34=)

Gene: CABP4 (calcium binding protein 4; plus strand). Cytogenetic location: 11q13.2.
Variant type: single nucleotide variant.
Coding change: c.102G>A on transcript NM_145200.5 (MANE Select); coding-DNA position 102, G replaced by A.
Protein change: p.Glu34=; no amino-acid change (glutamic acid 34 retained).
Molecular consequence: synonymous variant. On other transcripts: 5 prime UTR variant (2), non-coding transcript variant (1), intron variant (1).
Genome position (GRCh38, 1-based): chr11:67,455,525, G>A. VCF-style: chr11-67455525-G-A. GRCh37 (hg19) VCF-style: chr11-67222996-G-A.
Other names: c.-282G>A (NM_001300895.3); c.-296G>A (NM_001379183.1); c.-112-184G>A (NM_001300896.3).
Identifiers: ClinVar variation 193501 (VCV000193501.20), dbSNP rs536552621, ClinGen allele CA239032.
Genomic context (GRCh38, chr11:67,455,525, plus strand): 5'-GGCCATTGGCCGTCAGAAGCCCCCTGCGGGGGTTGTGACTCCCAAGAGTGATGCAGAGGA[G>A]CCCCCGTTGACCAGGAAGAGGAGCAAGAAGGAGAGGGGGCTCCGAGGGTCTCGAAAGCGC-3'
Protein context (NP_660201.1, residues 24-44): GVVTPKSDAE[Glu34=]PPLTRKRSKK